The following is an entry in ClinVar:

ClinVar aggregate classification (germline): Uncertain significance (1 of 4 stars; one submission).

Conditions:
Carney complex, type 1 (CNC1). Also called: CARNEY COMPLEX, TYPE I; CARNEY MYXOMA-ENDOCRINE COMPLEX. Identifiers: Orphanet 1359, MedGen C2607929, MONDO:0008057, OMIM 160980.

Submission:

Labcorp Genetics (formerly Invitae), Labcorp
Classification: Uncertain significance for Carney complex, type 1. Last evaluated: 2022-05-18. Review status: criteria provided, single submitter. Criteria: Invitae Variant Classification Sherloc (09022015). Collection method: clinical testing. Allele origin: germline.
Comment: This sequence change replaces threonine, which is neutral and polar, with alanine, which is neutral and non-polar, at codon 266 of the PRKAR1A protein (p.Thr266Ala). This variant is not present in population databases (gnomAD no frequency). This variant has not been reported in the literature in individuals affected with PRKAR1A-related conditions. Algorithms developed to predict the effect of missense changes on protein structure and function (SIFT, PolyPhen-2, Align-GVGD) all suggest that this variant is likely to be tolerated. In summary, the available evidence is currently insufficient to determine the role of this variant in disease. Therefore, it has been classified as a Variant of Uncertain Significance.

NM_002734.5(PRKAR1A):c.796A>G (p.Thr266Ala)

Gene: PRKAR1A (protein kinase cAMP-dependent type I regulatory subunit alpha; plus strand). Cytogenetic location: 17q24.2.
Variant type: single nucleotide variant.
Coding change: c.796A>G on transcript NM_002734.5 (MANE Select); coding-DNA position 796, A replaced by G.
Protein change: p.Thr266Ala; replaces threonine 266 with alanine.
Molecular consequence: missense variant.
Genome position (GRCh38, 1-based): chr17:68,528,896, A>G. VCF-style: chr17-68528896-A-G. GRCh37 (hg19) VCF-style: chr17-66525037-A-G.
Other names: c.796A>G, p.Thr266Ala (NM_001276289.2, NM_001276290.1, NM_001278433.2 and 4 more transcripts); short protein forms T266A.
Identifiers: ClinVar variation 1992928 (VCV001992928.4), dbSNP rs2509437394, ClinGen allele CA400753838.